The following is an entry in ClinVar:

NM_032638.5(GATA2):c.890_903dup (p.Ala302fs)

Gene: GATA2 (GATA binding protein 2; minus strand). Cytogenetic location: 3q21.3.
Variant type: Duplication.
Coding change: c.890_903dup on transcript NM_032638.5 (MANE Select); coding-DNA positions 890 to 903, 14 bases duplicated (ACTGTGGGGCCACA).
Protein change: p.Ala302fs; shifts the reading frame from alanine 302.
Molecular consequence: frameshift variant.
Genome position (GRCh38, 1-based): chr3:128,483,974-128,483,987, TGTGGCCCCACAGT duplicated on the plus strand (ACTGTGGGGCCACA on the coding strand, the reverse complement: GATA2 is on the minus strand); duplicating any 14 consecutive bases within chr3:128,483,974-128,483,989 gives the same sequence; the c. name uses the placement nearest the transcript's 3' end. VCF-style (leftmost placement, unchanged base first): chr3-128483973-C-CTGTGGCCCCACAGT. GRCh37 (hg19) VCF-style: chr3-128202816-C-CTGTGGCCCCACAGT.
Other names: c.890_903dup, p.Ala302fs (NM_001145661.2, NM_001145662.1); c.890_903dupACTGTGGGGCCACA (NM_032638.4); short protein forms A302fs.
Identifiers: ClinVar variation 566999 (VCV000566999.1), dbSNP rs1559986109, ClinGen allele CA891842733.

ClinVar aggregate classification (germline): Pathogenic (1 of 4 stars; one submission).

Conditions:
Deafness-lymphedema-leukemia syndrome. Also called: Lymphedema, primary, with myelodysplasia; Emberger syndrome. Identifiers: Orphanet 3226, MedGen C3279664, MONDO:0013540, OMIM 614038.
Monocytopenia with susceptibility to infections. Also called: MONOCYTOPENIA AND MYCOBACTERIAL INFECTION SYNDROME; MONOCYTOPENIA WITH SUSCEPTIBILITY TO MYCOBACTERIAL, FUNGAL, AND PAPILLOMAVIRUS INFECTIONS AND MYELODYSPLASIA; COMBINED IMMUNODEFICIENCY WITH SUSCEPTIBILITY TO MYCOBACTERIAL, VIRAL, AND FUNGAL INFECTIONS; Dendritic cell, monocyte, B lymphocyte, and natural killer lymphocyte deficiency; IMMUNODEFICIENCY 21; GATA2 DEFICIENCY. Identifiers: Orphanet 228423, MedGen C3280030, MONDO:0013607, OMIM 614172.

Submission:

Labcorp Genetics (formerly Invitae), Labcorp
Classification: Pathogenic for Dendritic cell, monocyte, B lymphocyte, and natural killer lymphocyte deficiency; Lymphedema, primary, with myelodysplasia. Last evaluated: 2018-04-10. Review status: criteria provided, single submitter. Criteria: Invitae Variant Classification Sherloc (09022015). Collection method: clinical testing. Allele origin: germline.
Comment: This sequence change creates a premature translational stop signal (p.Ala302Thrfs*29) in the GATA2 gene. It is expected to result in an absent or disrupted protein product. This variant is not present in population databases (ExAC no frequency). This variant has not been reported in the literature in individuals with GATA2-related disease. Loss-of-function variants in GATA2 are known to be pathogenic (PMID: 21670465, 23223431). For these reasons, this variant has been classified as Pathogenic.